The following is an entry in ClinVar:

ClinVar aggregate classification (germline): Uncertain significance (1 of 4 stars; one submission).

Allele frequency attached by ClinVar (database versions not stated): gnomAD exomes below 0.00001; ExAC 0.00002.
gnomAD v4.1: 4 of 1,611,822 alleles (0.00025%); highest among the groups gnomAD compares: Admixed American, 0.005%; no homozygotes.

Submission:

GeneDx
Classification: Uncertain significance. Last evaluated: 2022-06-02. Review status: criteria provided, single submitter. Criteria: GeneDx Variant Classification Process June 2021. Collection method: clinical testing. Allele origin: germline. Affected: yes.
Comment: In silico analysis supports that this missense variant has a deleterious effect on protein structure/function; Has not been previously published as pathogenic or benign to our knowledge

NM_018294.6(CWF19L1):c.118T>C (p.Cys40Arg)

Gene: CWF19L1 (CWF19 like cell cycle control factor 1; minus strand). Cytogenetic location: 10q24.31.
Variant type: single nucleotide variant.
Coding change: c.118T>C on transcript NM_018294.6 (MANE Select); coding-DNA position 118, T replaced by C.
Protein change: p.Cys40Arg; replaces cysteine 40 with arginine.
Molecular consequence: missense variant. On other transcripts: 5 prime UTR variant (1), intron variant (2).
Genome position (GRCh38, 1-based): chr10:100,261,035, A>G on the plus strand (T>C on the coding strand, the complement: CWF19L1 is on the minus strand). VCF-style: chr10-100261035-A-G. GRCh37 (hg19) VCF-style: chr10-102020792-A-G.
Other names: c.118T>C, p.Cys40Arg (NM_001303404.2); c.-294T>C (NM_001303405.2); c.-122-4559T>C (NM_001303406.2); c.-396-7T>C (NM_001303407.2); short protein forms C40R.
Identifiers: ClinVar variation 1801967 (VCV001801967.1), dbSNP rs749485151, ClinGen allele CA5647258.